The following is an entry in ClinVar:

NM_001320.7(CSNK2B):c.104A>T (p.Asn35Ile)

Gene: CSNK2B (casein kinase 2 beta; plus strand). Cytogenetic location: 6p21.33.
Variant type: single nucleotide variant.
Coding change: c.104A>T on transcript NM_001320.7 (MANE Select); coding-DNA position 104, A replaced by T.
Protein change: p.Asn35Ile; replaces asparagine 35 with isoleucine.
Molecular consequence: missense variant.
Genome position (GRCh38, 1-based): chr6:31,667,899, A>T. VCF-style: chr6-31667899-A-T. GRCh37 (hg19) VCF-style: chr6-31635676-A-T.
Other names: c.104A>T, p.Asn35Ile (NM_001282385.2); short protein forms N35I.
Identifiers: ClinVar variation 4532025 (VCV004532025.1).

ClinVar aggregate classification (germline): Likely pathogenic (1 of 4 stars; one submission).

Conditions:
Poirier-Bienvenu neurodevelopmental syndrome (POBINDS). Identifiers: Orphanet 689397, MedGen C5231482, MONDO:0032889, OMIM 618732.

Submission:

Victorian Clinical Genetics Services, Murdoch Childrens Research Institute
Classification: Likely pathogenic for Poirier-Bienvenu neurodevelopmental syndrome. Last evaluated: 2025-09-08. Review status: criteria provided, single submitter. Criteria: ACMG Guidelines, 2015. Collection method: clinical testing. Allele origin: germline. Affected: yes.
Comment: This variant is classified as Likely pathogenic. Evidence in support of pathogenic classification: Variant is absent from gnomAD (v2, v3 and v4); Another missense variant comparable to the one identified in this case has limited previous evidence for pathogenicity. p.(Asn35Lys) has been reported in an infant with a neurodevelopmental disorder (PMID: 34041744); Missense variant consistently predicted to be damaging by in silico tool or highly conserved with a major amino acid change; Additional information: Variant is predicted to result in a missense amino acid change from asparagine to isoleucine; This variant is heterozygous; This gene is associated with autosomal dominant disease; This variant has no previous evidence of pathogenicity; No published segregation evidence has been identified for this variant; No published functional evidence has been identified for this variant; Variant is located in the annotated casein kinase II regulatory subunit (DECIPHER); Loss of function is a known mechanism of disease in this gene and is associated with Poirier-Bienvenu neurodevelopmental syndrome (MIM#618732). Dominant negative is a suggested mechanism for missense variants (PMID: 35571680).

Literature cited by the submitters: PubMed 34041744; PubMed 35571680.